The following is an entry in ClinVar:

NM_205834.4(LSR):c.976C>T (p.Pro326Ser)

Gene: LSR (lipolysis stimulated lipoprotein receptor; plus strand). Cytogenetic location: 19q13.12.
Variant type: single nucleotide variant.
Coding change: c.976C>T on transcript NM_205834.4 (MANE Select); coding-DNA position 976, C replaced by T.
Protein change: p.Pro326Ser; replaces proline 326 with serine.
Molecular consequence: missense variant.
Genome position (GRCh38, 1-based): chr19:35,266,702, C>T. VCF-style: chr19-35266702-C-T. GRCh37 (hg19) VCF-style: chr19-35757605-C-T.
Other names: c.919C>T, p.Pro307Ser (NM_001260489.2, NM_015925.7); c.652C>T, p.Pro218Ser (NM_001260490.2); c.772C>T, p.Pro258Ser (NM_001385215.1, NM_205835.4); short protein forms P218S, P307S, P326S, P258S.
Identifiers: ClinVar variation 2552820 (VCV002552820.3), dbSNP rs769025422, ClinGen allele CA9374929.
Genomic context (GRCh38, chr19:35,266,702, plus strand): 5'-TCCTGGTGCGCGGCCACTGACAGCCACTCTCCCCCAGCTGGTGGCCAAGGCTCCTATGTA[C>T]CCCTGCTTCGGGACACGGACAGCAGTGTGGCCTCTGGTGAGAATCCATCGTCCCGAAGTT-3'
Protein context (NP_991403.2, residues 316-336): SSAGGQGSYV[Pro326Ser]LLRDTDSSVA

ClinVar aggregate classification (germline): Uncertain significance. Review status: criteria provided, multiple submitters, no conflicts (2 of 4 stars). 2 submissions from 2 submitters: Uncertain significance (2). Last evaluated 2025-12-08.

Allele frequency attached by ClinVar (database versions not stated): gnomAD 0.00001; gnomAD exomes 0.00001; TOPMed 0.00002; ExAC 0.00006.
gnomAD v4.1: 13 of 1,609,066 alleles (0.00081%); highest among the groups gnomAD compares: East Asian, 0.027%; no homozygotes.

Submissions (2):

Labcorp Genetics (formerly Invitae), Labcorp
Classification: Uncertain significance. Last evaluated: 2025-12-08. Review status: criteria provided, single submitter. Criteria: Invitae Variant Classification Sherloc (09022015). Collection method: clinical testing. Allele origin: germline.
Comment: This sequence change replaces proline, which is neutral and non-polar, with serine, which is neutral and polar, at codon 374 of the LSR protein (p.Pro374Ser). This variant is present in population databases (rs769025422, gnomAD 0.06%). This variant has not been reported in the literature in individuals affected with LSR-related conditions. ClinVar contains an entry for this variant (Variation ID: 2552820). An algorithm developed to predict the effect of missense changes on protein structure and function (PolyPhen-2) suggests that this variant is likely to be disruptive. In summary, the available evidence is currently insufficient to determine the role of this variant in disease. Therefore, it has been classified as a Variant of Uncertain Significance.

Ambry Genetics
Classification: Uncertain significance. Last evaluated: 2023-05-30. Review status: criteria provided, single submitter. Criteria: Ambry Variant Classification Scheme 2023. Collection method: clinical testing. Allele origin: germline.